The following is an entry in ClinVar:

NM_005585.5(SMAD6):c.1433G>A (p.Arg478Gln)

Gene: SMAD6 (SMAD family member 6; plus strand). Cytogenetic location: 15q22.31.
Variant type: single nucleotide variant.
Coding change: c.1433G>A on transcript NM_005585.5 (MANE Select); coding-DNA position 1433, G replaced by A.
Protein change: p.Arg478Gln; replaces arginine 478 with glutamine.
Molecular consequence: missense variant. On other transcripts: non-coding transcript variant (1).
Genome position (GRCh38, 1-based): chr15:66,781,477, G>A. VCF-style: chr15-66781477-G-A. GRCh37 (hg19) VCF-style: chr15-67073815-G-A.
Other names: short protein forms R478Q.
Identifiers: ClinVar variation 2568125 (VCV002568125.4), dbSNP rs767047936, ClinGen allele CA7626820.

ClinVar aggregate classification (germline): Uncertain significance. Review status: criteria provided, multiple submitters, no conflicts (2 of 4 stars). 2 submissions from 2 submitters: Uncertain significance (2). Last evaluated 2024-06-17.

Conditions:
Inborn genetic diseases. Identifiers: MedGen C0950123, MeSH D030342.

Allele frequency attached by ClinVar (database versions not stated): ExAC 0.00001.
gnomAD v4.1: 6 of 1,599,622 alleles (0.00038%); highest among the groups gnomAD compares: Middle Eastern, 0.017%; no homozygotes.

Submissions (2):

Dasa
Classification: Uncertain significance. Last evaluated: 2024-06-17. Review status: criteria provided, single submitter. Criteria: DASA Assertion Criteria. Collection method: clinical testing. Allele origin: germline.
Comment: NM_005585.5(SMAD6):c.1433G>A (p.Arg478Gln) is a missense variant that results in the substitution of arginine with glutamine. This variant is rare in population databases. Computational prediction algorithms are consistent with a deleterious effect. The currently available literature and clinical evidence are not sufficient to establish a definitive association between this variant and the reported condition. Therefore, this variant is classified as a variant of uncertain significance.

Ambry Genetics
Classification: Uncertain significance for Inborn genetic diseases. Last evaluated: 2023-03-18. Review status: criteria provided, single submitter. Criteria: Ambry Variant Classification Scheme 2023. Collection method: clinical testing. Allele origin: germline.
Comment: The p.R478Q variant (also known as c.1433G>A), located in coding exon 4 of the SMAD6 gene, results from a G to A substitution at nucleotide position 1433. The arginine at codon 478 is replaced by glutamine, an amino acid with highly similar properties. This amino acid position is conserved. In addition, this alteration is predicted to be deleterious by in silico analysis. Since supporting evidence is limited at this time, the clinical significance of this alteration remains unclear.